The following is an entry in ClinVar:

ClinVar aggregate classification (germline): Uncertain significance (1 of 4 stars; one submission).

Conditions:
Aortic aneurysm, familial thoracic 8 (AAT8). Identifiers: MedGen C3809513, MONDO:0014187, OMIM 615436.

Submission:

Labcorp Genetics (formerly Invitae), Labcorp
Classification: Uncertain significance for Aortic aneurysm, familial thoracic 8. Last evaluated: 2025-11-09. Review status: criteria provided, single submitter. Criteria: Invitae Variant Classification Sherloc (09022015). Collection method: clinical testing. Allele origin: germline.
Comment: This sequence change replaces aspartic acid, which is acidic and polar, with glutamic acid, which is acidic and polar, at codon 677 of the PRKG1 protein (p.Asp677Glu). This variant is not present in population databases (gnomAD no frequency). This variant has not been reported in the literature in individuals affected with PRKG1-related conditions. An algorithm developed to predict the effect of missense changes on protein structure and function (PolyPhen-2) suggests that this variant is likely to be disruptive. In summary, the available evidence is currently insufficient to determine the role of this variant in disease. Therefore, it has been classified as a Variant of Uncertain Significance.

NM_006258.4(PRKG1):c.2031T>A (p.Asp677Glu)

Gene: PRKG1 (protein kinase cGMP-dependent 1; plus strand). Cytogenetic location: 10q21.1.
Variant type: single nucleotide variant.
Coding change: c.2031T>A on transcript NM_006258.4 (MANE Select); coding-DNA position 2031, T replaced by A.
Protein change: p.Asp677Glu; replaces aspartic acid 677 with glutamic acid.
Molecular consequence: missense variant.
Genome position (GRCh38, 1-based): chr10:52,293,870, T>A. VCF-style: chr10-52293870-T-A. GRCh37 (hg19) VCF-style: chr10-54053630-T-A.
Other names: c.1986T>A, p.Asp662Glu (NM_001098512.3); c.822T>A, p.Asp274Glu (NM_001374781.1); short protein forms D677E, D274E, D662E.
Identifiers: ClinVar variation 4702729 (VCV004702729.1).